The following is an entry in ClinVar:

ClinVar aggregate classification (germline): Uncertain significance (1 of 4 stars; one submission).

Conditions:
Charcot-Marie-Tooth disease axonal type 2O. Also called: CHARCOT-MARIE-TOOTH NEUROPATHY, AXONAL, TYPE 2O; CHARCOT-MARIE-TOOTH DISEASE, AXONAL, AUTOSOMAL DOMINANT, TYPE 2O; Charcot-Marie-Tooth Neuropathy Type 2O; Charcot-Marie-Tooth disease, axonal, type 20. Identifiers: Orphanet 284232, MedGen C3280220, MONDO:0013644, OMIM 614228.

Submission:

Labcorp Genetics (formerly Invitae), Labcorp
Classification: Uncertain significance for Charcot-Marie-Tooth disease axonal type 2O. Last evaluated: 2023-08-17. Review status: criteria provided, single submitter. Criteria: Invitae Variant Classification Sherloc (09022015). Collection method: clinical testing. Allele origin: germline.
Comment: ClinVar contains an entry for this variant (Variation ID: 1906166). In summary, the available evidence is currently insufficient to determine the role of this variant in disease. Therefore, it has been classified as a Variant of Uncertain Significance. Advanced modeling of protein sequence and biophysical properties (such as structural, functional, and spatial information, amino acid conservation, physicochemical variation, residue mobility, and thermodynamic stability) has been performed at Invitae for this missense variant, however the output from this modeling did not meet the statistical confidence thresholds required to predict the impact of this variant on DYNC1H1 protein function. This variant has not been reported in the literature in individuals affected with DYNC1H1-related conditions. This variant is not present in population databases (gnomAD no frequency). This sequence change replaces aspartic acid, which is acidic and polar, with glutamic acid, which is acidic and polar, at codon 2478 of the DYNC1H1 protein (p.Asp2478Glu).

NM_001376.5(DYNC1H1):c.7434C>A (p.Asp2478Glu)

Gene: DYNC1H1 (dynein cytoplasmic 1 heavy chain 1; plus strand). Cytogenetic location: 14q32.31.
Variant type: single nucleotide variant.
Coding change: c.7434C>A on transcript NM_001376.5 (MANE Select); coding-DNA position 7434, C replaced by A.
Protein change: p.Asp2478Glu; replaces aspartic acid 2478 with glutamic acid.
Molecular consequence: missense variant.
Genome position (GRCh38, 1-based): chr14:102,016,047, C>A. VCF-style: chr14-102016047-C-A. GRCh37 (hg19) VCF-style: chr14-102482384-C-A.
Other names: short protein forms D2478E.
Identifiers: ClinVar variation 1906166 (VCV001906166.5), dbSNP rs2503768541, ClinGen allele CA391002115.
Genomic context (GRCh38, chr14:102,016,047, plus strand): 5'-CTTCTCCATGCTGCACCAGGCCTGCCGCAACGTGGCGCAGTATAACGCCAACCATCCCGA[C>A]TTCCCCATGCAGATCGAGCAGCTGGAGCGCTACATTCAGGTCAGGGGGCATCAGGGGCTT-3'
Protein context (NP_001367.2, residues 2468-2488): NVAQYNANHP[Asp2478Glu]FPMQIEQLER